The following is an entry in ClinVar:

NM_019066.5(MAGEL2):c.1376G>A (p.Arg459His)

Gene: MAGEL2 (MAGE family member L2; minus strand). Cytogenetic location: 15q11.2.
Variant type: single nucleotide variant.
Coding change: c.1376G>A on transcript NM_019066.5 (MANE Select); coding-DNA position 1376, G replaced by A.
Protein change: p.Arg459His; replaces arginine 459 with histidine.
Molecular consequence: missense variant.
Genome position (GRCh38, 1-based): chr15:23,646,367, C>T on the plus strand (G>A on the coding strand, the complement: MAGEL2 is on the minus strand). VCF-style: chr15-23646367-C-T. GRCh37 (hg19) VCF-style: chr15-23891514-C-T.
Other names: short protein forms R459H.
Identifiers: ClinVar variation 2185366 (VCV002185366.4), dbSNP rs1038598112, ClinGen allele CA267660424.
Genomic context (GRCh38, chr15:23,646,367, plus strand): 5'-ATCACAGGTGGGGCCTGGCGGATCACAGGTGGGGCCTGGCGGATCACAGCGGGGGCCTGG[C>T]GGATCACGGGTGGGGCCTGGCGGATCACGGGTGGGGCCTGGCGGATCACCGGTGGGGCCT-3'
Protein context (NP_061939.3, residues 449-469): PVIRQAPPVI[Arg459His]QAPAVIRQAP

ClinVar aggregate classification (germline): Uncertain significance (1 of 4 stars; one submission).

Allele frequency attached by ClinVar (database versions not stated): TOPMed below 0.00001.

Submission:

Labcorp Genetics (formerly Invitae), Labcorp
Classification: Uncertain significance. Last evaluated: 2022-02-21. Review status: criteria provided, single submitter. Criteria: Invitae Variant Classification Sherloc (09022015). Collection method: clinical testing. Allele origin: germline.
Comment: This variant is present in population databases (no rsID available, gnomAD 0.01%). This sequence change replaces arginine, which is basic and polar, with histidine, which is basic and polar, at codon 459 of the MAGEL2 protein (p.Arg459His). This variant has not been reported in the literature in individuals affected with MAGEL2-related conditions. In summary, the available evidence is currently insufficient to determine the role of this variant in disease. Therefore, it has been classified as a Variant of Uncertain Significance. Experimental studies and prediction algorithms are not available or were not evaluated, and the functional significance of this variant is currently unknown.